The following is an entry in ClinVar:

NM_000414.4(HSD17B4):c.58+185G>A

Gene: HSD17B4 (hydroxysteroid 17-beta dehydrogenase 4; plus strand). Cytogenetic location: 5q23.1.
Variant type: single nucleotide variant.
Coding change: c.58+185G>A on transcript NM_000414.4 (MANE Select); 185 bases into the intron after coding-DNA position 58, G replaced by A.
Molecular consequence: intron variant. On other transcripts: missense variant (1), 5 prime UTR variant (6), non-coding transcript variant (1).
Genome position (GRCh38, 1-based): chr5:119,452,818, G>A. VCF-style: chr5-119452818-G-A. GRCh37 (hg19) VCF-style: chr5-118788513-G-A.
Other names: p.Ser22Asn; c.65G>A, p.Ser22Asn (NM_001199291.3); c.-357G>A (NM_001292028.2, NM_001374501.1); c.-291G>A (NM_001374499.1); c.-484G>A (NM_001374500.1); c.-362G>A (NM_001374502.1); c.-427G>A (NM_001374503.1); c.-80+185G>A (NM_001292027.2); and 1 more; short protein forms S22N.
Identifiers: ClinVar variation 2682900 (VCV002682900.1), dbSNP rs964493746, ClinGen allele CA125915776.
Genomic context (GRCh38, chr5:119,452,818, plus strand): 5'-TTATTCTTGAGGCACCGCATCTCTTGAGGAGGAAAGAGCCGGAAACACCTGGTCTCTCAA[G>A]CAGGTACAGCCCGCTTCTCCCCAGCACCCCGGTGTGGGCTTCCCAAGGTCCTGCCTGAGA-3'

ClinVar aggregate classification (germline): Uncertain significance (1 of 4 stars; one submission).

Allele frequency attached by ClinVar (database versions not stated): gnomAD exomes 0.00001; TOPMed 0.00006; gnomAD 0.00007.
gnomAD v4.1: 20 of 1,536,692 alleles (0.0013%); highest among the groups gnomAD compares: African/African-American, 0.022%; no homozygotes.

Submission:

Mayo Clinic Laboratories, Mayo Clinic
Classification: Uncertain significance. Last evaluated: 2022-07-08. Review status: criteria provided, single submitter. Criteria: ACMG Guidelines, 2015. Collection method: clinical testing. Allele origin: germline. Observed: 1 variant allele.
Comment: BP4, PM2